The following is an entry in ClinVar:

ClinVar aggregate classification (germline): Uncertain significance (1 of 4 stars; one submission).

Allele frequency attached by ClinVar (database versions not stated): gnomAD exomes below 0.00001; gnomAD 0.00001.
gnomAD v4.1: 5 of 1,614,192 alleles (0.00031%); highest among the groups gnomAD compares: Admixed American, 0.0033%; no homozygotes.

Submission:

Labcorp Genetics (formerly Invitae), Labcorp
Classification: Uncertain significance. Last evaluated: 2024-10-26. Review status: criteria provided, single submitter. Criteria: Invitae Variant Classification Sherloc (09022015). Collection method: clinical testing. Allele origin: germline.
Comment: This sequence change replaces phenylalanine, which is neutral and non-polar, with serine, which is neutral and polar, at codon 77 of the ABHD12 protein (p.Phe77Ser). This variant is not present in population databases (gnomAD no frequency). This variant has not been reported in the literature in individuals affected with ABHD12-related conditions. ClinVar contains an entry for this variant (Variation ID: 2089526). Invitae Evidence Modeling of protein sequence and biophysical properties (such as structural, functional, and spatial information, amino acid conservation, physicochemical variation, residue mobility, and thermodynamic stability) indicates that this missense variant is not expected to disrupt ABHD12 protein function with a negative predictive value of 80%. In summary, the available evidence is currently insufficient to determine the role of this variant in disease. Therefore, it has been classified as a Variant of Uncertain Significance.

NM_001042472.3(ABHD12):c.230T>C (p.Phe77Ser)

Gene: ABHD12 (abhydrolase domain containing 12, lysophospholipase; minus strand). Cytogenetic location: 20p11.21.
Variant type: single nucleotide variant.
Coding change: c.230T>C on transcript NM_001042472.3 (MANE Select); coding-DNA position 230, T replaced by C.
Protein change: p.Phe77Ser; replaces phenylalanine 77 with serine.
Molecular consequence: missense variant.
Genome position (GRCh38, 1-based): chr20:25,339,313, A>G on the plus strand (T>C on the coding strand, the complement: ABHD12 is on the minus strand). VCF-style: chr20-25339313-A-G. GRCh37 (hg19) VCF-style: chr20-25319949-A-G.
Other names: c.230T>C, p.Phe77Ser (NM_015600.5); short protein forms F77S.
Identifiers: ClinVar variation 2089526 (VCV002089526.4), dbSNP rs2089422737, ClinGen allele CA408445878.